The following is an entry in ClinVar:

NM_201253.3(CRB1):c.2698G>A (p.Gly900Ser)

Gene: CRB1 (crumbs cell polarity complex component 1; plus strand). Cytogenetic location: 1q31.3.
Variant type: single nucleotide variant.
Coding change: c.2698G>A on transcript NM_201253.3 (MANE Select); coding-DNA position 2698, G replaced by A.
Protein change: p.Gly900Ser; replaces glycine 900 with serine.
Molecular consequence: missense variant. On other transcripts: non-coding transcript variant (2), intron variant (1).
Genome position (GRCh38, 1-based): chr1:197,429,470, G>A. VCF-style: chr1-197429470-G-A. GRCh37 (hg19) VCF-style: chr1-197398600-G-A.
Other names: c.2362G>A, p.Gly788Ser (NM_001193640.2); c.2626G>A, p.Gly876Ser (NM_001257965.2); c.2129-6130G>A (NM_001257966.2); short protein forms G788S, G900S, G876S.
Identifiers: ClinVar variation 1460689 (VCV001460689.6), dbSNP rs2125488768, ClinGen allele CA344040430.

ClinVar aggregate classification (germline): Uncertain significance (1 of 4 stars; one submission).

Conditions:
Leber congenital amaurosis 8 (LCA8). Identifiers: Orphanet 65, MedGen C3151202, MONDO:0013453, OMIM 613835.
Retinitis pigmentosa 12 (RP12). Also called: RP WITH OR WITHOUT PPRPE; RP WITH OR WITHOUT PRESERVED PARAARTERIOLE RETINAL PIGMENT EPITHELIUM; RETINITIS PIGMENTOSA WITH OR WITHOUT PARAARTERIOLAR PRESERVATION OF RETINAL PIGMENT EPITHELIUM. Identifiers: Orphanet 791, MedGen C1838647, MONDO:0010818, OMIM 600105.

Submission:

Labcorp Genetics (formerly Invitae), Labcorp
Classification: Uncertain significance for Leber congenital amaurosis 8; Retinitis pigmentosa 12. Last evaluated: 2022-07-26. Review status: criteria provided, single submitter. Criteria: Invitae Variant Classification Sherloc (09022015). Collection method: clinical testing. Allele origin: germline.
Comment: Algorithms developed to predict the effect of sequence changes on RNA splicing suggest that this variant may create or strengthen a splice site. This sequence change replaces glycine, which is neutral and non-polar, with serine, which is neutral and polar, at codon 900 of the CRB1 protein (p.Gly900Ser). This variant is not present in population databases (gnomAD no frequency). This variant has not been reported in the literature in individuals affected with CRB1-related conditions. ClinVar contains an entry for this variant (Variation ID: 1460689). Advanced modeling of protein sequence and biophysical properties (such as structural, functional, and spatial information, amino acid conservation, physicochemical variation, residue mobility, and thermodynamic stability) performed at Invitae indicates that this missense variant is expected to disrupt CRB1 protein function. In summary, the available evidence is currently insufficient to determine the role of this variant in disease. Therefore, it has been classified as a Variant of Uncertain Significance.